The following is an entry in ClinVar:

ClinVar aggregate classification (germline): Likely pathogenic. Review status: criteria provided, multiple submitters, no conflicts (2 of 4 stars). 2 submissions from 2 submitters: Likely pathogenic (2). Last evaluated 2025-10-08.

Conditions:
Autosomal recessive limb-girdle muscular dystrophy type 2J (LGMDR10). Also called: Limb-girdle muscular dystrophy, type 2J; MUSCULAR DYSTROPHY, LIMB-GIRDLE, AUTOSOMAL RECESSIVE 10. Identifiers: Orphanet 140922, MedGen C1837342, MONDO:0012127, OMIM 608807.
Dilated cardiomyopathy 1G (CMD1G). Identifiers: Orphanet 154, MedGen C1858763, MONDO:0011400, OMIM 604145.
Cardiovascular phenotype. Identifiers: MedGen CN230736.

Submissions (2):

Ambry Genetics
Classification: Likely pathogenic for Cardiovascular phenotype. Last evaluated: 2025-10-08. Review status: criteria provided, single submitter. Criteria: Ambry Variant Classification Scheme 2023. Collection method: clinical testing. Allele origin: germline.
Comment: The c.60639_60642delCAGA variant, located in coding exon 156 of the TTN gene, results from a deletion of 4 nucleotides at nucleotide positions 60639 to 60642, causing a translational frameshift with a predicted alternate stop codon (p.D20213Efs*122). This exon is located in the A-band region of the N2-B isoform of the titin protein and is constitutively expressed in TTN transcripts (percent spliced in or PSI 100%). This variant is considered to be rare based on population cohorts in the Genome Aggregation Database (gnomAD). This variant is expected to result in loss of function by premature protein truncation or nonsense-mediated mRNA decay. While truncating variants in TTN are present in 1-3% of the general population, truncating variants in the A-band are the most common cause of dilated cardiomyopathy (Herman DS et al. N. Engl. J. Med., 2012 Feb;366:619-28; Roberts AM et al. Sci Transl Med, 2015 Jan;7:270ra6). TTN truncating variants encoded in constitutive exons (PSI >90%) have been found to be significantly associated with DCM regardless of their position in titin (Schafer S et al. Nat. Genet., 2017 01;49:46-53; Akhtar MM et al. Circ Heart Fail, 2020 Oct;13:e006832; Massier M et al. Clin Genet, 2025 Jan). Based on the majority of available evidence to date, this variant is likely to be pathogenic.

Labcorp Genetics (formerly Invitae), Labcorp
Classification: Likely pathogenic for Dilated cardiomyopathy 1G; Autosomal recessive limb-girdle muscular dystrophy type 2J. Last evaluated: 2023-04-17. Review status: criteria provided, single submitter. Criteria: Invitae Variant Classification Sherloc (09022015). Collection method: clinical testing. Allele origin: germline.
Comment: In summary, the currently available evidence indicates that the variant is pathogenic, but additional data are needed to prove that conclusively. Therefore, this variant has been classified as Likely Pathogenic. This variant is located in the A band of TTN (PMID: 25589632). Truncating variants in this region are significantly overrepresented in patients affected with dilated cardiomyopathy (PMID: 25589632). Truncating variants in this region have also been reported in individuals affected with autosomal recessive centronuclear myopathy (PMID: 23975875). This variant has not been reported in the literature in individuals affected with TTN-related conditions. This variant is not present in population databases (gnomAD no frequency). This sequence change creates a premature translational stop signal (p.Asp29278Glufs*122) in the TTN gene. While this is not anticipated to result in nonsense mediated decay, it is expected to create a truncated TTN protein.

Literature cited by the submitters: PubMed 25589632 (cited by Labcorp Genetics (formerly Invitae), Labcorp); PubMed 23975875 (cited by Labcorp Genetics (formerly Invitae), Labcorp).

NM_001267550.2(TTN):c.87834_87837del (p.Asp29278fs)

Genes: TTN (titin; minus strand), TTN-AS1 (TTN antisense RNA 1; plus strand). Cytogenetic location: 2q31.2.
Variant type: Deletion.
Coding change: c.87834_87837del on transcript NM_001267550.2 (MANE Select); coding-DNA positions 87834 to 87837, 4 bases deleted (CAGA; older notation c.87834_87837delCAGA).
Protein change: p.Asp29278fs; shifts the reading frame from aspartic acid 29278.
Molecular consequence: frameshift variant.
Genome position (GRCh38, 1-based): chr2:178,557,425-178,557,428, TCTG deleted on the plus strand (CAGA on the coding strand, the reverse complement: TTN is on the minus strand); deleting any 4 consecutive bases within chr2:178,557,425-178,557,431 gives the same sequence; the c. name uses the placement nearest the transcript's 3' end. VCF-style (leftmost placement, unchanged base first): chr2-178557424-TTCTG-T. GRCh37 (hg19) VCF-style: chr2-179422151-TTCTG-T.
Other names: c.82911_82914del, p.Asp27637fs (NM_001256850.1); c.60639_60642del, p.Asp20213fs (NM_003319.4); c.80130_80133del, p.Asp26710fs (NM_133378.4); c.61014_61017del, p.Asp20338fs (NM_133432.3); c.61215_61218del, p.Asp20405fs (NM_133437.4); c.60639_60642delCAGA (NM_003319.4); short protein forms D26710fs, D20338fs, D29278fs, D20213fs, D20405fs, D27637fs.
Identifiers: ClinVar variation 2451846 (VCV002451846.6), dbSNP rs756035074, ClinGen allele CA1988252.